The following is an entry in ClinVar:

NM_000066.4(C8B):c.1616G>A (p.Arg539Gln)

Gene: C8B (complement C8 beta chain; minus strand). Cytogenetic location: 1p32.2.
Variant type: single nucleotide variant.
Coding change: c.1616G>A on transcript NM_000066.4 (MANE Select); coding-DNA position 1616, G replaced by A.
Protein change: p.Arg539Gln; replaces arginine 539 with glutamine.
Molecular consequence: missense variant.
Genome position (GRCh38, 1-based): chr1:56,931,815, C>T on the plus strand (G>A on the coding strand, the complement: C8B is on the minus strand). VCF-style: chr1-56931815-C-T. GRCh37 (hg19) VCF-style: chr1-57397488-C-T.
Other names: c.1616G>A (NM_000066.2); c.1460G>A, p.Arg487Gln (NM_001278543.2); c.1430G>A, p.Arg477Gln (NM_001278544.2); short protein forms R487Q, R539Q, R477Q.
Identifiers: ClinVar variation 1416965 (VCV001416965.9), dbSNP rs530148306, ClinGen allele CA875584.

ClinVar aggregate classification (germline): Conflicting classifications of pathogenicity. Review status: criteria provided, conflicting classifications (1 of 4 stars). 4 submissions from 4 submitters: Uncertain significance (3); Likely benign (1). Last evaluated 2025-12-16.

Conditions:
Type II complement component 8 deficiency. Also called: COMPLEMENT C8 DEFICIENCY, TYPE II; C8 BETA DEFICIENCY; C8B DEFICIENCY; COMPLEMENT COMPONENT 8B DEFICIENCY. Identifiers: MedGen C3151080, MONDO:0013421, OMIM 613789.
Inborn genetic diseases. Identifiers: MedGen C0950123, MeSH D030342.

Allele frequency attached by ClinVar (database versions not stated): ExAC 0.00004; gnomAD exomes 0.00004 and 0.00008; gnomAD 0.00017; TOPMed 0.00027.

Submissions (4):

Ambry Genetics
Classification: Uncertain significance for Inborn genetic diseases. Last evaluated: 2025-12-16. Review status: criteria provided, single submitter. Criteria: Ambry Variant Classification Scheme 2023. Collection method: clinical testing. Allele origin: germline.

Blueprint Genetics
Classification: Likely benign. Last evaluated: 2024-10-14. Review status: criteria provided, single submitter. Criteria: ACMG Guidelines, 2015. Collection method: clinical testing. Allele origin: germline.

Fulgent Genetics
Classification: Uncertain significance for Type II complement component 8 deficiency. Last evaluated: 2024-06-07. Review status: criteria provided, single submitter. Criteria: ACMG Guidelines, 2015. Collection method: clinical testing. Allele origin: germline.

Labcorp Genetics (formerly Invitae), Labcorp
Classification: Uncertain significance. Last evaluated: 2022-08-21. Review status: criteria provided, single submitter. Criteria: Invitae Variant Classification Sherloc (09022015). Collection method: clinical testing. Allele origin: germline.
Comment: This sequence change replaces arginine, which is basic and polar, with glutamine, which is neutral and polar, at codon 539 of the C8B protein (p.Arg539Gln). This variant is present in population databases (rs530148306, gnomAD 0.01%). This variant has not been reported in the literature in individuals affected with C8B-related conditions. ClinVar contains an entry for this variant (Variation ID: 1416965). Algorithms developed to predict the effect of missense changes on protein structure and function output the following: SIFT: "Tolerated"; PolyPhen-2: "Benign"; Align-GVGD: "Class C0". The glutamine amino acid residue is found in multiple mammalian species, which suggests that this missense change does not adversely affect protein function. Algorithms developed to predict the effect of sequence changes on RNA splicing suggest that this variant may create or strengthen a splice site. In summary, the available evidence is currently insufficient to determine the role of this variant in disease. Therefore, it has been classified as a Variant of Uncertain Significance.